The following is an entry in ClinVar:

NM_080646.2(TBX1):c.1070_1073del (p.Arg357fs)

Gene: TBX1 (T-box transcription factor 1; plus strand). Cytogenetic location: 22q11.21.
Variant type: Microsatellite.
Coding change: c.1070_1073del on transcript NM_080646.2; coding-DNA positions 1070 to 1073, 4 bases deleted (GAGA; older notation c.1070_1073delGAGA).
Protein change: p.Arg357fs; shifts the reading frame from arginine 357.
Molecular consequence: frameshift variant. On other transcripts: intron variant (1).
Genome position (GRCh38, 1-based): chr22:19,779,280-19,779,283, GAGA deleted; deleting any 4 consecutive bases within chr22:19,779,275-19,779,283 gives the same sequence; the c. name uses the placement nearest the transcript's 3' end. VCF-style (leftmost placement, unchanged base first): chr22-19779274-CAGAG-C. GRCh37 (hg19) VCF-style: chr22-19766797-CAGAG-C.
Other names: c.1010-3638AG[2] (NM_005992.1); short protein forms R357fs.
Identifiers: ClinVar variation 2637261 (VCV002637261.1), dbSNP rs2517874305, ClinGen allele CA2556870246.
Genomic context (GRCh38, chr22:19,779,274, plus strand): 5'-ACCCAGGTGGACATGTCCTGAAGGACAAGGAAGTGAAAGCTGAGACGTCTAGGAACACAC[CAGAG>C]AGAGAAGTGGAGCTTCTGAGGGATGCAGGTGGCTGTGTGAACCTGGGGCTCCCCTGCCCC-3'

ClinVar aggregate classification (germline): Uncertain significance (1 of 4 stars; one submission).

Conditions:
TBX1-related disorder. Also called: TBX1-Related Disorders; TBX1-related condition.

Submission:

PreventionGenetics, part of Exact Sciences
Classification: Uncertain significance for TBX1-related condition. Last evaluated: 2022-09-26. Review status: criteria provided, single submitter. Criteria: ACMG Guidelines, 2015. Collection method: clinical testing. Allele origin: germline.
Comment: The TBX1 c.1070_1073delGAGA variant is predicted to result in a frameshift and premature protein termination (p.Arg357Lysfs*5). However, this variant is post-coding (c.*12413_*12416delGAGA) using HGMD transcript NM_080647.1. To our knowledge, this variant has not been reported in the literature or in a large population database, indicating this variant is rare. At this time, the clinical significance of this variant is uncertain due to the absence of conclusive functional and genetic evidence.